The following is an entry in ClinVar:

ClinVar aggregate classification (germline): Benign/Likely benign. Review status: criteria provided, multiple submitters, no conflicts (2 of 4 stars). 10 submissions from 10 submitters: Benign (3); Likely benign (7). Last evaluated 2026-02-03.

Conditions:
BAP1-related disorder. Also called: BAP1-related condition.
Kury-Isidor syndrome (KURIS). Identifiers: MedGen C5676925, MONDO:0859230, OMIM 619762.
Melanoma, uveal, susceptibility to, 2 (UVM2). Also called: Melanoma, uveal 2. Identifiers: Orphanet 39044, MedGen C1847723, MONDO:0011696, OMIM 606661.
BAP1-related tumor predisposition syndrome (TPDS1). Also called: TUMOR PREDISPOSITION SYNDROME 1; Tumor susceptibility linked to germline BAP1 mutations; BAP1 tumor predisposition syndrome; COMMON Syndrome. Identifiers: Orphanet 289539, MedGen C3280492, MONDO:0013692, OMIM 614327.
Hereditary cancer-predisposing syndrome. Also called: Hereditary Cancer Syndrome; Tumor predisposition; Hereditary neoplastic syndrome; Neoplastic Syndromes, Hereditary. Identifiers: Orphanet 140162, MedGen C0027672, MeSH D009386, MONDO:0015356.

Allele frequency attached by ClinVar (database versions not stated): gnomAD exomes 0.00003 and 0.00023; ESP Exome Variant Server 0.00015; gnomAD 0.00016 and 0.00017; TOPMed 0.00019; ExAC 0.00027; 1000 Genomes Project 30x 0.00031; 1000 Genomes Project 0.00040.

Submissions (10):

Labcorp Genetics (formerly Invitae), Labcorp
Classification: Benign for BAP1-related tumor predisposition syndrome. Last evaluated: 2026-02-03. Review status: criteria provided, single submitter. Criteria: Invitae Variant Classification Sherloc (09022015). Collection method: clinical testing. Allele origin: germline.

Center for Genomic Medicine, Rigshospitalet, Copenhagen University Hospital
Classification: Likely benign. Last evaluated: 2025-12-29. Review status: criteria provided, single submitter. Criteria: ACMG Guidelines, 2015. Collection method: clinical testing. Allele origin: germline.

PreventionGenetics, part of Exact Sciences
Classification: Likely benign for BAP1-related condition. Last evaluated: 2025-12-04. Review status: criteria provided, single submitter. Criteria: ACMG Guidelines, 2015. Collection method: clinical testing. Allele origin: germline.
Comment: This variant is classified as likely benign based on ACMG/AMP sequence variant interpretation guidelines (Richards et al. 2015 PMID: 25741868, with internal and published modifications).

Myriad Genetics, Inc.
Classification: Benign for BAP1-related tumor predisposition syndrome. Last evaluated: 2024-07-12. Review status: criteria provided, single submitter. Criteria: Myriad Autosomal Dominant, Autosomal Recessive and X-Linked Classification Criteria (2023). Collection method: clinical testing. Allele origin: unknown.
Comment: This variant is considered benign. This variant is a silent/synonymous amino acid change and it is not expected to impact splicing.

Blueprint Genetics
Classification: Likely benign. Last evaluated: 2024-06-18. Review status: criteria provided, single submitter. Criteria: ACMG Guidelines, 2015. Collection method: clinical testing. Allele origin: germline.

Department of Pathology and Laboratory Medicine, Sinai Health System
Classification: Likely benign for Melanoma, uveal, susceptibility to, 2; BAP1-related tumor predisposition syndrome; Kury-Isidor syndrome. Last evaluated: 2024-04-18. Review status: criteria provided, single submitter. Criteria: ACMG Guidelines, 2015. Collection method: clinical testing. Allele origin: germline. Affected: yes.

Sema4
Classification: Likely benign for Hereditary cancer-predisposing syndrome. Last evaluated: 2021-11-11. Review status: criteria provided, single submitter. Criteria: Sema4 Curation Guidelines. Collection method: curation. Allele origin: germline.

GeneDx
Classification: Likely benign. Last evaluated: 2019-12-01. Review status: criteria provided, single submitter. Criteria: GeneDx Variant Classification Process June 2021. Collection method: clinical testing. Allele origin: germline. Affected: yes.

Color Diagnostics, LLC DBA Color Health
Classification: Benign for Hereditary cancer-predisposing syndrome. Last evaluated: 2016-07-25. Review status: criteria provided, single submitter. Criteria: ACMG Guidelines, 2015. Collection method: clinical testing. Allele origin: germline.

Ambry Genetics
Classification: Likely benign for Hereditary cancer-predisposing syndrome. Last evaluated: 2015-07-14. Review status: criteria provided, single submitter. Criteria: Ambry Variant Classification Scheme 2023. Collection method: clinical testing. Allele origin: germline.

NM_004656.4(BAP1):c.651C>T (p.Ala217=)

Gene: BAP1 (BRCA1 associated deubiquitinase 1; minus strand). Cytogenetic location: 3p21.1.
Variant type: single nucleotide variant.
Coding change: c.651C>T on transcript NM_004656.4 (MANE Select); coding-DNA position 651, C replaced by T.
Protein change: p.Ala217=; no amino-acid change (alanine 217 retained).
Molecular consequence: synonymous variant.
Genome position (GRCh38, 1-based): chr3:52,406,837, G>A on the plus strand (C>T on the coding strand, the complement: BAP1 is on the minus strand). VCF-style: chr3-52406837-G-A. GRCh37 (hg19) VCF-style: chr3-52440853-G-A.
Other names: c.651C>T (LRG_529t1).
Identifiers: ClinVar variation 417292 (VCV000417292.25), dbSNP rs202170860, ClinGen allele CA2437040.
Genomic context (GRCh38, chr3:52,406,837, plus strand): 5'-CAAAGTAGGTACAGCTCCAGAGAGTAGAACAGGGCAGGCACAGGGCCCTTACCCTGCAGT[G>A]GCGAGGCCGATACGCTCCATGATGACCCGCCGGGCCTTGTCTGTCCACTCCTCGTCCTCC-3'
Protein context (NP_004647.1, residues 207-227): RRVIMERIGL[Ala217=]TAGEPYHDIR